The following is an entry in ClinVar:

ClinVar aggregate classification (germline): Uncertain significance (1 of 4 stars; one submission).

gnomAD v4.1: 2 of 1,613,880 alleles (0.00012%); highest among the groups gnomAD compares: African/African-American, 0.0013%; no homozygotes.

Submission:

GeneDx
Classification: Uncertain significance. Last evaluated: 2025-08-06. Review status: criteria provided, single submitter. Criteria: GeneDx Variant Classification Process June 2021. Collection method: clinical testing. Allele origin: germline. Affected: yes.
Comment: Not observed at significant frequency in large population cohorts (gnomAD); In silico analysis supports that this missense variant has a deleterious effect on protein structure/function; Has not been previously published as pathogenic or benign to our knowledge

NM_000293.3(PHKB):c.1330G>A (p.Gly444Arg)

Gene: PHKB (phosphorylase kinase regulatory subunit beta; plus strand). Cytogenetic location: 16q12.1.
Variant type: single nucleotide variant.
Coding change: c.1330G>A on transcript NM_000293.3 (MANE Select); coding-DNA position 1330, G replaced by A.
Protein change: p.Gly444Arg; replaces glycine 444 with arginine.
Molecular consequence: missense variant.
Genome position (GRCh38, 1-based): chr16:47,596,498, G>A. VCF-style: chr16-47596498-G-A. GRCh37 (hg19) VCF-style: chr16-47630409-G-A.
Other names: c.1309G>A, p.Gly437Arg (NM_001031835.3); c.1330G>A, p.Gly444Arg (NM_001363837.1); short protein forms G437R, G444R.
Identifiers: ClinVar variation 4755587 (VCV004755587.1).